The following is an entry in ClinVar:

ClinVar aggregate classification (germline): Uncertain significance (1 of 4 stars; one submission).

Conditions:
Hereditary cancer-predisposing syndrome. Also called: Hereditary neoplastic syndrome; Neoplastic Syndromes, Hereditary; Tumor predisposition; Hereditary Cancer Syndrome. Identifiers: Orphanet 140162, MedGen C0027672, MeSH D009386, MONDO:0015356.

Submission:

Ambry Genetics
Classification: Uncertain significance for Hereditary cancer-predisposing syndrome. Last evaluated: 2025-09-12. Review status: criteria provided, single submitter. Criteria: Ambry Variant Classification Scheme 2023. Collection method: clinical testing. Allele origin: germline.
Comment: The p.P2216T variant (also known as c.6646C>A), located in coding exon 15 of the APC gene, results from a C to A substitution at nucleotide position 6646. The proline at codon 2216 is replaced by threonine, an amino acid with highly similar properties. This amino acid position is well conserved in available vertebrate species. In addition, in silico predictors for this gene do not accurately predict pathogenicity. Missense alterations in APC are not a common cause of disease (Spier I et al. Genet Med. 2024 Feb;26(2):100992). Based on the available evidence, the clinical significance of this variant remains unclear.

NM_000038.6(APC):c.6646C>A (p.Pro2216Thr)

Gene: APC (APC regulator of Wnt signaling pathway; plus strand). Cytogenetic location: 5q22.2.
Variant type: single nucleotide variant.
Coding change: c.6646C>A on transcript NM_000038.6 (MANE Select); coding-DNA position 6646, C replaced by A.
Protein change: p.Pro2216Thr; replaces proline 2216 with threonine.
Molecular consequence: missense variant. On other transcripts: non-coding transcript variant (2).
Genome position (GRCh38, 1-based): chr5:112,842,240, C>A. VCF-style: chr5-112842240-C-A. GRCh37 (hg19) VCF-style: chr5-112177937-C-A.
Other names: c.6646C>A, p.Pro2216Thr (NM_001127510.3, NM_001354895.2, NM_001407450.1); c.6592C>A, p.Pro2198Thr (NM_001127511.3); c.6700C>A, p.Pro2234Thr (NM_001354896.2, NM_001407448.1, NM_001407449.1 and 1 more transcripts); c.6676C>A, p.Pro2226Thr (NM_001354897.2); c.6571C>A, p.Pro2191Thr (NM_001354898.2); c.6562C>A, p.Pro2188Thr (NM_001354899.2); c.6523C>A, p.Pro2175Thr (NM_001354900.2); c.6469C>A, p.Pro2157Thr (NM_001354901.2, NM_001407453.1); and 11 more; short protein forms P1832T, P1933T, P2188T, P2198T, P2206T, P2216T, P2234T, P2125T.
Identifiers: ClinVar variation 4121662 (VCV004121662.1).